The following is an entry in ClinVar:

NM_001395159.1(UNC79):c.1854A>G (p.Gln618=)

Gene: UNC79 (unc-79 subunit of NALCN channel complex; plus strand). Cytogenetic location: 14q32.12.
Variant type: single nucleotide variant.
Coding change: c.1854A>G on transcript NM_001395159.1 (MANE Select); coding-DNA position 1854, A replaced by G.
Protein change: p.Gln618=; no amino-acid change (glutamine 618 retained).
Molecular consequence: synonymous variant.
Genome position (GRCh38, 1-based): chr14:93,571,992, A>G. VCF-style: chr14-93571992-A-G. GRCh37 (hg19) VCF-style: chr14-94038338-A-G.
Other names: c.1854A>G, p.Gln618= (NM_001346218.2); c.1323A>G, p.Gln441= (NM_020818.5).
Identifiers: ClinVar variation 4980791 (VCV004980791.1).

ClinVar aggregate classification (germline): Likely benign (1 of 4 stars; one submission).

Conditions:
UNC79-related disorder. Also called: UNC79-related condition.

gnomAD v4.1: 116 of 1,614,206 alleles (0.0072%); highest among the groups gnomAD compares: African/African-American, 0.087%; no homozygotes.

Submission:

PreventionGenetics, part of Exact Sciences
Classification: Likely benign for UNC79-related condition. Last evaluated: 2026-03-03. Review status: criteria provided, single submitter. Criteria: ACMG Guidelines, 2015. Collection method: clinical testing. Allele origin: germline.
Comment: This variant is classified as likely benign based on ACMG/AMP sequence variant interpretation guidelines (Richards et al. 2015 PMID: 25741868, with internal and published modifications).